The following is an entry in ClinVar:

ClinVar aggregate classification (germline): Uncertain significance (1 of 4 stars; one submission).

Conditions:
Myofibrillar myopathy 5. Also called: Filaminopathy (type); FILAMINOPATHY, AUTOSOMAL DOMINANT. Identifiers: Orphanet 171445, MedGen C1836050, MONDO:0012289, OMIM 609524.
Distal myopathy with posterior leg and anterior hand involvement. Also called: WILLIAMS DISTAL MYOPATHY. Identifiers: Orphanet 63273, MedGen C3279722, MONDO:0013550, OMIM 614065.
Hypertrophic cardiomyopathy 26. Also called: Cardiomyopathy, familial hypertrophic, 26. Identifiers: Orphanet 75249, MedGen C4310749, MONDO:0014883, OMIM 617047.

Submission:

Labcorp Genetics (formerly Invitae), Labcorp
Classification: Uncertain significance for Distal myopathy with posterior leg and anterior hand involvement; Myofibrillar myopathy 5; Hypertrophic cardiomyopathy 26. Last evaluated: 2022-03-11. Review status: criteria provided, single submitter. Criteria: Invitae Variant Classification Sherloc (09022015). Collection method: clinical testing. Allele origin: germline.
Comment: In summary, the available evidence is currently insufficient to determine the role of this variant in disease. Therefore, it has been classified as a Variant of Uncertain Significance. Algorithms developed to predict the effect of missense changes on protein structure and function are either unavailable or do not agree on the potential impact of this missense change (SIFT: "Deleterious"; PolyPhen-2: "Possibly Damaging"; Align-GVGD: "Class C0"). This variant has not been reported in the literature in individuals affected with FLNC-related conditions. This variant is not present in population databases (gnomAD no frequency). This sequence change replaces serine, which is neutral and polar, with cysteine, which is neutral and slightly polar, at codon 566 of the FLNC protein (p.Ser566Cys).

NM_001458.5(FLNC):c.1696A>T (p.Ser566Cys)

Gene: FLNC (filamin C; plus strand). Cytogenetic location: 7q32.1.
Variant type: single nucleotide variant.
Coding change: c.1696A>T on transcript NM_001458.5 (MANE Select); coding-DNA position 1696, A replaced by T.
Protein change: p.Ser566Cys; replaces serine 566 with cysteine.
Molecular consequence: missense variant.
Genome position (GRCh38, 1-based): chr7:128,840,853, A>T. VCF-style: chr7-128840853-A-T. GRCh37 (hg19) VCF-style: chr7-128480907-A-T.
Other names: c.1696A>T, p.Ser566Cys (NM_001127487.2); short protein forms S566C.
Identifiers: ClinVar variation 2109554 (VCV002109554.4), dbSNP rs2536627096, ClinGen allele CA369226882.